The following is an entry in ClinVar:

ClinVar aggregate classification (germline): Conflicting classifications of pathogenicity. Review status: criteria provided, conflicting classifications (1 of 4 stars). 4 submissions from 4 submitters: Uncertain significance (2); Benign (2). Last evaluated 2026-01-12.

Conditions:
Cardiovascular phenotype. Identifiers: MedGen CN230736.
Long QT syndrome (LQTS). Identifiers: MedGen C0023976, MeSH D008133, MONDO:0002442. Disease mechanism: loss of function. Inheritance: Various modes of inheritance.

Allele frequency attached by ClinVar (database versions not stated): gnomAD exomes 0.00003 and 0.00006; gnomAD 0.00022 and 0.00025; ESP Exome Variant Server 0.00031; ExAC 0.00008; TOPMed 0.00026; 1000 Genomes Project 0.00040; 1000 Genomes Project 30x 0.00047.
gnomAD v4.1: 81 of 1,610,330 alleles (0.005%); highest among the groups gnomAD compares: African/African-American, 0.092%; no homozygotes.

Submissions (4):

Labcorp Genetics (formerly Invitae), Labcorp
Classification: Uncertain significance for Long QT syndrome. Last evaluated: 2026-01-12. Review status: criteria provided, single submitter. Criteria: Invitae Variant Classification Sherloc (09022015). Collection method: clinical testing. Allele origin: germline.
Comment: This sequence change replaces aspartic acid, which is acidic and polar, with histidine, which is basic and polar, at codon 2893 of the AKAP9 protein (p.Asp2893His). This variant is present in population databases (rs142573103, gnomAD 0.06%), and has an allele count higher than expected for a pathogenic variant. This variant has not been reported in the literature in individuals affected with AKAP9-related conditions. ClinVar contains an entry for this variant (Variation ID: 457126). An algorithm developed to predict the effect of missense changes on protein structure and function (PolyPhen-2) suggests that this variant is likely to be disruptive. In summary, the available evidence is currently insufficient to determine the role of this variant in disease. Therefore, it has been classified as a Variant of Uncertain Significance.

Ambry Genetics
Classification: Benign for Cardiovascular phenotype. Last evaluated: 2023-11-21. Review status: criteria provided, single submitter. Criteria: Ambry Variant Classification Scheme 2023. Collection method: clinical testing. Allele origin: germline.

Stanford Center for Inherited Cardiovascular Disease, Stanford University
Classification: Uncertain significance. Last evaluated: 2018-02-06. Review status: criteria provided, single submitter. Criteria: ACMG Guidelines, 2015. Collection method: provider interpretation. Allele origin: germline.

GeneDx
Classification: Benign. Last evaluated: 2015-03-03. Review status: criteria provided, single submitter. Criteria: GeneDx Variant Classification Process June 2021. Collection method: clinical testing. Allele origin: germline. Affected: yes.

NM_005751.5(AKAP9):c.8677G>C (p.Asp2893His)

Gene: AKAP9 (A-kinase anchoring protein 9; plus strand). Cytogenetic location: 7q21.2.
Variant type: single nucleotide variant.
Coding change: c.8677G>C on transcript NM_005751.5 (MANE Select); coding-DNA position 8677, G replaced by C.
Protein change: p.Asp2893His; replaces aspartic acid 2893 with histidine.
Molecular consequence: missense variant.
Genome position (GRCh38, 1-based): chr7:92,084,670, G>C. VCF-style: chr7-92084670-G-C. GRCh37 (hg19) VCF-style: chr7-91713984-G-C.
Other names: c.3322G>C, p.Asp1108His (NM_001379277.1); c.8653G>C, p.Asp2885His (NM_147185.3); short protein forms D2893H, D2885H, D1108H.
Identifiers: ClinVar variation 457126 (VCV000457126.18), dbSNP rs142573103, ClinGen allele CA4337550.